The following is an entry in ClinVar:

ClinVar aggregate classification (germline): Likely benign (1 of 4 stars; one submission).

gnomAD v4.1: 7 of 1,610,332 alleles (0.00043%); highest among the groups gnomAD compares: East Asian, 0.0067%; no homozygotes.

Submission:

CeGaT Center for Human Genetics Tuebingen
Classification: Likely benign. Last evaluated: 2022-08-01. Review status: criteria provided, single submitter. Criteria: CeGaT Center For Human Genetics Tuebingen Variant Classification Criteria Version 2. Collection method: clinical testing. Allele origin: germline. Affected: yes. Observed: 1 variant allele.
Comment: SHANK2: BP4, BP7

NM_012309.5(SHANK2):c.5175C>G (p.Pro1725=)

Gene: SHANK2 (SH3 and multiple ankyrin repeat domains 2; minus strand). Cytogenetic location: 11q13.3.
Variant type: single nucleotide variant.
Coding change: c.5175C>G on transcript NM_012309.5 (MANE Select); coding-DNA position 5175, C replaced by G.
Protein change: p.Pro1725=; no amino-acid change (proline 1725 retained).
Molecular consequence: synonymous variant. On other transcripts: non-coding transcript variant (1).
Genome position (GRCh38, 1-based): chr11:70,473,244, G>C on the plus strand (C>G on the coding strand, the complement: SHANK2 is on the minus strand). VCF-style: chr11-70473244-G-C. GRCh37 (hg19) VCF-style: chr11-70319349-G-C.
Other names: c.4038C>G, p.Pro1346= (NM_001379226.1); c.3411C>G, p.Pro1137= (NM_133266.5).
Identifiers: ClinVar variation 2642070 (VCV002642070.24), dbSNP rs553103084, ClinGen allele CA475470671.